The following is an entry in ClinVar:

NM_000138.5(FBN1):c.4056C>T (p.Pro1352=)

Gene: FBN1 (fibrillin 1; minus strand). Cytogenetic location: 15q21.1.
Variant type: single nucleotide variant.
Coding change: c.4056C>T on transcript NM_000138.5 (MANE Select); coding-DNA position 4056, C replaced by T.
Protein change: p.Pro1352=; no amino-acid change (proline 1352 retained).
Molecular consequence: synonymous variant.
Genome position (GRCh38, 1-based): chr15:48,474,559, G>A on the plus strand (C>T on the coding strand, the complement: FBN1 is on the minus strand). VCF-style: chr15-48474559-G-A. GRCh37 (hg19) VCF-style: chr15-48766756-G-A.
Identifiers: ClinVar variation 926259 (VCV000926259.22), dbSNP rs766969494, ClinGen allele CA051928.

ClinVar aggregate classification (germline): Likely benign. Review status: criteria provided, multiple submitters, no conflicts (2 of 4 stars). 6 submissions from 6 submitters: Likely benign (6). Last evaluated 2026-05-13.

Conditions:
Familial thoracic aortic aneurysm and aortic dissection (TAAD). Also called: Thoracic aortic aneurysms and dissections. Identifiers: Orphanet 91387, MedGen C4707243, MONDO:0019625.
Marfan syndrome (MFS). Also called: Marfan syndrome, classic; Marfan syndrome type 1; Marfan's syndrome; FBN1-Related Marfan Syndrome; MARFAN SYNDROME, TYPE I. Identifiers: Orphanet 284963, Orphanet 558, MedGen C0024796, MONDO:0007947, OMIM 154700.

Allele frequency attached by ClinVar (database versions not stated): TOPMed 0.00002; gnomAD 0.00001.
gnomAD v4.1: 9 of 1,613,966 alleles (0.00056%); highest among the groups gnomAD compares: African/African-American, 0.0053%; no homozygotes.

Submissions (6):

Women's Health and Genetics/Laboratory Corporation of America, LabCorp
Classification: Likely benign. Last evaluated: 2026-05-13. Review status: criteria provided, single submitter. Criteria: LabCorp Variant Classification Summary - May 2015. Collection method: clinical testing. Allele origin: germline.

Ambry Genetics
Classification: Likely benign for Familial thoracic aortic aneurysm and aortic dissection. Last evaluated: 2025-09-28. Review status: criteria provided, single submitter. Criteria: Ambry Variant Classification Scheme 2023. Collection method: clinical testing. Allele origin: germline.

Labcorp Genetics (formerly Invitae), Labcorp
Classification: Likely benign for Marfan syndrome; Familial thoracic aortic aneurysm and aortic dissection. Last evaluated: 2025-03-17. Review status: criteria provided, single submitter. Criteria: Invitae Variant Classification Sherloc (09022015). Collection method: clinical testing. Allele origin: germline.

All of Us Research Program, National Institutes of Health
Classification: Likely benign for Marfan syndrome. Last evaluated: 2023-10-06. Review status: criteria provided, single submitter. Criteria: ACMG Guidelines, 2015. Collection method: clinical testing. Allele origin: germline. Inheritance: Autosomal dominant inheritance. Observed: 5 variant alleles, 5 heterozygotes.
Comment: This study involves interpretation of variants in research participants for the purpose of population health screening. Participant phenotype was not available at the time of variant classification. Additional details can be found in publication PMID: 35346344, PMCID: PMC8962531

ARUP Laboratories, Molecular Genetics and Genomics, ARUP Laboratories
Classification: Likely benign. Last evaluated: 2019-09-03. Review status: criteria provided, single submitter. Criteria: ARUP Molecular Germline Variant Investigation Process. Collection method: clinical testing. Allele origin: germline.

Color Diagnostics, LLC DBA Color Health
Classification: Likely benign for Familial thoracic aortic aneurysm and aortic dissection. Last evaluated: 2019-04-14. Review status: criteria provided, single submitter. Criteria: ACMG Guidelines, 2015. Collection method: clinical testing. Allele origin: germline.